The following is an entry in ClinVar:

ClinVar aggregate classification (germline): Conflicting classifications of pathogenicity. Review status: criteria provided, conflicting classifications (1 of 4 stars). 2 submissions from 2 submitters: Uncertain significance (1); Likely benign (1). Last evaluated 2025-01-10.

Conditions:
BDP1-related disorder. Also called: BDP1-related condition.

gnomAD v4.1: 16 of 1,613,782 alleles (0.00099%); highest among the groups gnomAD compares: Admixed American, 0.022%; no homozygotes.

Submissions (2):

PreventionGenetics, part of Exact Sciences
Classification: Uncertain significance for BDP1-related condition. Last evaluated: 2025-01-10. Review status: criteria provided, single submitter. Criteria: ACMG Guidelines, 2015. Collection method: clinical testing. Allele origin: germline.
Comment: The BDP1 c.3880G>A variant is predicted to result in the amino acid substitution p.Gly1294Arg. To our knowledge, this variant has not been reported in the literature. This variant is reported in 0.020% of alleles in individuals of Latino descent in gnomAD. At this time, the clinical significance of this variant is uncertain due to the absence of conclusive functional and genetic evidence.

Ambry Genetics
Classification: Likely benign. Last evaluated: 2024-11-28. Review status: criteria provided, single submitter. Criteria: Ambry Variant Classification Scheme 2023. Collection method: clinical testing. Allele origin: germline.

NM_018429.3(BDP1):c.3880G>A (p.Gly1294Arg)

Gene: BDP1 (BDP1 general transcription factor IIIB subunit; plus strand). Cytogenetic location: 5q13.2.
Variant type: single nucleotide variant.
Coding change: c.3880G>A on transcript NM_018429.3 (MANE Select); coding-DNA position 3880, G replaced by A.
Protein change: p.Gly1294Arg; replaces glycine 1294 with arginine.
Molecular consequence: missense variant.
Genome position (GRCh38, 1-based): chr5:71,510,972, G>A. VCF-style: chr5-71510972-G-A. GRCh37 (hg19) VCF-style: chr5-70806799-G-A.
Other names: short protein forms G1294R.
Identifiers: ClinVar variation 3480347 (VCV003480347.2).